The following is an entry in ClinVar:

ClinVar aggregate classification (germline): Uncertain significance. Review status: criteria provided, multiple submitters, no conflicts (2 of 4 stars). 5 submissions from 5 submitters: Uncertain significance (4). 1 of the submissions does not count toward it. Last evaluated 2024-03-25.

Conditions:
TBCK-related disorder. Also called: TBCK-related disorders; TBCK-related condition.
Inborn genetic diseases. Identifiers: MedGen C0950123, MeSH D030342.

Allele frequency attached by ClinVar (database versions not stated): gnomAD 0.00006 and 0.00007; gnomAD exomes 0.00011; ExAC 0.00014; TOPMed 0.00017; ESP Exome Variant Server 0.00023.

Submissions (5):

Blueprint Genetics
Classification: Uncertain significance. Last evaluated: 2024-03-25. Review status: criteria provided, single submitter. Criteria: ACMG Guidelines, 2015. Collection method: clinical testing. Allele origin: germline.

Ambry Genetics
Classification: Uncertain significance for Inborn genetic diseases. Last evaluated: 2023-05-22. Review status: criteria provided, single submitter. Criteria: Ambry Variant Classification Scheme 2023. Collection method: clinical testing. Allele origin: germline.

Labcorp Genetics (formerly Invitae), Labcorp
Classification: Uncertain significance. Last evaluated: 2022-10-24. Review status: criteria provided, single submitter. Criteria: Invitae Variant Classification Sherloc (09022015). Collection method: clinical testing. Allele origin: germline.
Comment: This sequence change replaces proline, which is neutral and non-polar, with serine, which is neutral and polar, at codon 716 of the TBCK protein (p.Pro716Ser). This variant is present in population databases (rs148139621, gnomAD 0.02%). This variant has not been reported in the literature in individuals affected with TBCK-related conditions. ClinVar contains an entry for this variant (Variation ID: 594992). Advanced modeling of protein sequence and biophysical properties (such as structural, functional, and spatial information, amino acid conservation, physicochemical variation, residue mobility, and thermodynamic stability) performed at Invitae indicates that this missense variant is not expected to disrupt TBCK protein function. In summary, the available evidence is currently insufficient to determine the role of this variant in disease. Therefore, it has been classified as a Variant of Uncertain Significance.

Eurofins Ntd Llc (ga)
Classification: Uncertain significance. Last evaluated: 2017-11-16. Review status: criteria provided, single submitter. Criteria: EGL Classification Definitions 2015. Collection method: clinical testing. Allele origin: germline. Observed: 1 variant allele, 1 heterozygote.

PreventionGenetics, part of Exact Sciences
Classification: Uncertain significance for TBCK-related condition. Last evaluated: 2024-06-20. Review status: no assertion criteria provided. Collection method: clinical testing. Allele origin: germline. Not counted in ClinVar's aggregate classification.
Comment: The TBCK c.2146C>T variant is predicted to result in the amino acid substitution p.Pro716Ser. To our knowledge, this variant has not been reported in the literature. This variant is reported in 0.023% of alleles in individuals of South Asian descent in gnomAD. Although we suspect that this variant may be pathogenic, at this time, the clinical significance of this variant is uncertain due to the absence of conclusive functional and genetic evidence.

NM_001163435.3(TBCK):c.2146C>T (p.Pro716Ser)

Gene: TBCK (TBC1 domain containing kinase; minus strand). Cytogenetic location: 4q24.
Variant type: single nucleotide variant.
Coding change: c.2146C>T on transcript NM_001163435.3 (MANE Select); coding-DNA position 2146, C replaced by T.
Protein change: p.Pro716Ser; replaces proline 716 with serine.
Molecular consequence: missense variant.
Genome position (GRCh38, 1-based): chr4:106,171,184, G>A on the plus strand (C>T on the coding strand, the complement: TBCK is on the minus strand). VCF-style: chr4-106171184-G-A. GRCh37 (hg19) VCF-style: chr4-107092341-G-A.
Other names: c.2146C>T, p.Pro716Ser (NM_001163436.4); c.2029C>T, p.Pro677Ser (NM_001163437.3); c.1630C>T, p.Pro544Ser (NM_001290768.2); c.1957C>T, p.Pro653Ser (NM_033115.5); c.2146C>T (NM_001163435.1, NM_001163435.2); short protein forms P716S, P653S, P544S, P677S.
Identifiers: ClinVar variation 594992 (VCV000594992.12), dbSNP rs148139621, ClinGen allele CA3034784.
Genomic context (GRCh38, chr4:106,171,184, plus strand): 5'-CAGCAGAGAAATAAGGTGCCGAACTTCTGCCTCCACTGCTGTCAGAAGATGGCTTTGGAG[G>A]TTGAGCATGCTGTCTGTAAGTAGCACTTTTAGGAGTCCAACAAAACAGGTTGATAGATTC-3'
Protein context (NP_001156907.2, residues 706-726): KSATYRQHAQ[Pro716Ser]PKPSSDSSGG